The following is an entry in ClinVar:

NM_006397.3(RNASEH2A):c.146_148dup (p.Ile49_Cys50insPhe)

Gene: RNASEH2A (ribonuclease H2 subunit A; plus strand). Cytogenetic location: 19p13.13.
Variant type: Duplication.
Coding change: c.146_148dup on transcript NM_006397.3 (MANE Select); coding-DNA positions 146 to 148, 3 bases duplicated (TCT; older notation c.146_148dupTCT).
Protein change: p.Ile49_Cys50insPhe.
Molecular consequence: inframe insertion.
Genome position (GRCh38, 1-based): chr19:12,807,026-12,807,028, TCT duplicated. VCF-style (leftmost placement, unchanged base first): chr19-12807025-A-ATCT. GRCh37 (hg19) VCF-style: chr19-12917839-A-ATCT.
Identifiers: ClinVar variation 1413126 (VCV001413126.8), dbSNP rs2145824522, ClinGen allele CA2573155992.

ClinVar aggregate classification (germline): Uncertain significance (1 of 4 stars; one submission).

Conditions:
Aicardi-Goutieres syndrome 4. Identifiers: Orphanet 51, MedGen C1835912, MONDO:0012472, OMIM 610333.

Submission:

Labcorp Genetics (formerly Invitae), Labcorp
Classification: Uncertain significance for Aicardi-Goutieres syndrome 4. Last evaluated: 2020-12-04. Review status: criteria provided, single submitter. Criteria: Invitae Variant Classification Sherloc (09022015). Collection method: clinical testing. Allele origin: germline.
Comment: In summary, the available evidence is currently insufficient to determine the role of this variant in disease. Therefore, it has been classified as a Variant of Uncertain Significance. Experimental studies and prediction algorithms are not available or were not evaluated, and the functional significance of this variant is currently unknown. This variant has not been reported in the literature in individuals with RNASEH2A-related conditions. This variant is not present in population databases (ExAC no frequency). This variant, c.146_148dup, results in the insertion of 1 amino acid(s) to the RNASEH2A protein (p.Ile49_Cys50insPhe), but otherwise preserves the integrity of the reading frame.